The following is an entry in ClinVar:

ClinVar aggregate classification (germline): Uncertain significance (1 of 4 stars; one submission).

Submission:

Labcorp Genetics (formerly Invitae), Labcorp
Classification: Uncertain significance. Last evaluated: 2026-01-25. Review status: criteria provided, single submitter. Criteria: Invitae Variant Classification Sherloc (09022015). Collection method: clinical testing. Allele origin: germline.
Comment: This sequence change affects codon 479 of the ALAS2 mRNA. It is a 'silent' change, meaning that it does not change the encoded amino acid sequence of the ALAS2 protein. This variant also falls at the last nucleotide of exon 9, which is part of the consensus splice site for this exon. This variant is not present in population databases (gnomAD no frequency). This variant has not been reported in the literature in individuals affected with ALAS2-related conditions. Variants that disrupt the consensus splice site are a relatively common cause of aberrant splicing (PMID: 17576681, 9536098). Algorithms developed to predict the effect of sequence changes on RNA splicing suggest that this variant may disrupt the consensus splice site. In summary, the available evidence is currently insufficient to determine the role of this variant in disease. Therefore, it has been classified as a Variant of Uncertain Significance.

Literature cited by the submitters: PubMed 17576681; PubMed 9536098.

NM_000032.5(ALAS2):c.1437G>T (p.Arg479=)

Gene: ALAS2 (5'-aminolevulinate synthase 2; minus strand). Cytogenetic location: Xp11.21.
Variant type: single nucleotide variant.
Coding change: c.1437G>T on transcript NM_000032.5 (MANE Select); coding-DNA position 1437, G replaced by T.
Protein change: p.Arg479=; no amino-acid change (arginine 479 retained).
Molecular consequence: synonymous variant.
Genome position (GRCh38, 1-based): chrX:55,014,747, C>A on the plus strand (G>T on the coding strand, the complement: ALAS2 is on the minus strand). VCF-style: chrX-55014747-C-A. GRCh37 (hg19) VCF-style: chrX-55041180-C-A.
Other names: c.1326G>T, p.Arg442= (NM_001037967.4); c.1398G>T, p.Arg466= (NM_001037968.4).
Identifiers: ClinVar variation 4727247 (VCV004727247.1).